The following is an entry in ClinVar:

NM_015294.6(TRIM37):c.2476G>A (p.Glu826Lys)

Gene: TRIM37 (tripartite motif containing 37; minus strand). Cytogenetic location: 17q22.
Variant type: single nucleotide variant.
Coding change: c.2476G>A on transcript NM_015294.6 (MANE Select); coding-DNA position 2476, G replaced by A.
Protein change: p.Glu826Lys; replaces glutamic acid 826 with lysine.
Molecular consequence: missense variant. On other transcripts: non-coding transcript variant (2).
Genome position (GRCh38, 1-based): chr17:59,015,710, C>T on the plus strand (G>A on the coding strand, the complement: TRIM37 is on the minus strand). VCF-style: chr17-59015710-C-T. GRCh37 (hg19) VCF-style: chr17-57093071-C-T.
Other names: c.2476G>A, p.Glu826Lys (NM_001005207.5, NM_001320988.3, NM_001320989.3 and 1 more transcripts); c.2374G>A, p.Glu792Lys (NM_001320987.3, NM_001353082.2); c.2110G>A, p.Glu704Lys (NM_001320990.3); c.1741G>A, p.Glu581Lys (NM_001353083.2); c.2014G>A, p.Glu672Lys (NM_001353085.2); c.2425G>A, p.Glu809Lys (NM_001353086.2); short protein forms E792K, E704K, E826K, E581K, E672K, E809K.
Identifiers: ClinVar variation 2053449 (VCV002053449.4), dbSNP rs2544958517, ClinGen allele CA400390220.

ClinVar aggregate classification (germline): Uncertain significance (1 of 4 stars; one submission).

Allele frequency attached by ClinVar (database versions not stated): gnomAD exomes below 0.00001.
gnomAD v4.1: 2 of 1,614,134 alleles (0.00012%); highest among the groups gnomAD compares: South Asian, 0.0011%; no homozygotes.

Submission:

Labcorp Genetics (formerly Invitae), Labcorp
Classification: Uncertain significance. Last evaluated: 2022-07-19. Review status: criteria provided, single submitter. Criteria: Invitae Variant Classification Sherloc (09022015). Collection method: clinical testing. Allele origin: germline.
Comment: This sequence change replaces glutamic acid, which is acidic and polar, with lysine, which is basic and polar, at codon 826 of the TRIM37 protein (p.Glu826Lys). In summary, the available evidence is currently insufficient to determine the role of this variant in disease. Therefore, it has been classified as a Variant of Uncertain Significance. Algorithms developed to predict the effect of missense changes on protein structure and function are either unavailable or do not agree on the potential impact of this missense change (SIFT: "Not Available"; PolyPhen-2: "Possibly Damaging"; Align-GVGD: "Not Available"). This variant has not been reported in the literature in individuals affected with TRIM37-related conditions. This variant is not present in population databases (gnomAD no frequency).